The following is an entry in ClinVar:

NM_201384.3(PLEC):c.3017_3018delinsAA (p.Arg1006Gln)

Gene: PLEC (plectin; minus strand). Cytogenetic location: 8q24.3.
Variant type: Indel.
Coding change: c.3017_3018delinsAA on transcript NM_201384.3 (MANE Select); coding-DNA positions 3017 to 3018, GC replaced by AA.
Protein change: p.Arg1006Gln; replaces arginine 1006 with glutamine.
Molecular consequence: missense variant.
Genome position (GRCh38, 1-based): chr8:143,929,477-143,929,478, GC replaced by TT on the plus strand (GC replaced by AA on the coding strand, the reverse complement: PLEC is on the minus strand). VCF-style: chr8-143929477-GC-TT. GRCh37 (hg19) VCF-style: chr8-145003645-GC-TT.
Other names: c.3098_3099delinsAA, p.Arg1033Gln (NM_000445.5, NM_001410941.1); c.2975_2976delinsAA, p.Arg992Gln (NM_201378.4); c.2951_2952delinsAA, p.Arg984Gln (NM_201379.3); c.3428_3429delinsAA, p.Arg1143Gln (NM_201380.4); c.2921_2922delinsAA, p.Arg974Gln (NM_201381.3); c.3017_3018delinsAA, p.Arg1006Gln (NM_201382.4); c.3029_3030delinsAA, p.Arg1010Gln (NM_201383.3); short protein forms R1006Q, R992Q, R1143Q, R974Q, R1010Q, R984Q, R1033Q.
Identifiers: ClinVar variation 4992517 (VCV004992517.1).

ClinVar aggregate classification (germline): Uncertain significance (1 of 4 stars; one submission).

Conditions:
PLEC-related disorder. Also called: PLEC-related condition; PLEC-related disorders.

Submission:

PreventionGenetics, part of Exact Sciences
Classification: Uncertain significance for PLEC-related condition. Last evaluated: 2026-06-12. Review status: criteria provided, single submitter. Criteria: ACMG Guidelines, 2015. Collection method: clinical testing. Allele origin: germline.
Comment: The PLEC c.3098_3099delinsAA variant is predicted to result in an in-frame deletion and insertion. To our knowledge, this variant has not been reported in the literature or in a large population database (gnomAD), indicating this variant is rare. At this time, the clinical significance of this variant is uncertain due to the absence of conclusive functional and genetic evidence.